The following is an entry in ClinVar:

ClinVar aggregate classification (germline): Uncertain significance. Review status: criteria provided, multiple submitters, no conflicts (2 of 4 stars). 2 submissions from 2 submitters: Uncertain significance (2). Last evaluated 2024-03-12.

Conditions:
von Willebrand disease type 2 (VWD2). Also called: VON WILLEBRAND DISEASE, TYPE II; VWD, TYPE 2; VON WILLEBRAND DISEASE, TYPE 2A/IIE; VON WILLEBRAND DISEASE, TYPE 2CB. Identifiers: Orphanet 166081, Orphanet 903, MedGen C1264040, MONDO:0013304, OMIM 613554.

Allele frequency attached by ClinVar (database versions not stated): gnomAD 0.00001; gnomAD exomes 0.00001; TOPMed 0.00001.
gnomAD v4.1: 10 of 1,611,210 alleles (0.00062%); highest among the groups gnomAD compares: Non-Finnish European, 0.00085%; no homozygotes.

Submissions (2):

Women's Health and Genetics/Laboratory Corporation of America, LabCorp
Classification: Uncertain significance. Last evaluated: 2024-03-12. Review status: criteria provided, single submitter. Criteria: LabCorp Variant Classification Summary - May 2015. Collection method: clinical testing. Allele origin: germline.
Comment: Variant summary: VWF c.7729+5G>A alters a conserved nucleotide located close to a canonical splice site and therefore could affect mRNA splicing, leading to a significantly altered protein sequence. Several computational tools predict a significant impact on normal splicing: three predict the variant weakens a 5' donor site, while one predicts the variant abolishes a 5' splicing donor site. However, these predictions have yet to be confirmed by functional studies. The variant allele was found at a frequency of 1.3e-05 in 772738 control chromosomes (gnomAD v4.0). The variant, c.7729+5G>A, has been reported in the literature in at least one individual affected with Von Willebrand Disease (Yadegari_2012). These data do not allow clear conclusions about variant significance. To our knowledge, no experimental evidence demonstrating an impact on protein function has been reported. ClinVar contains an entry for this variant (Variation ID: 2572112). Based on the evidence outlined above, the variant was classified as uncertain significance.

ISTH-SSC Genomics in Thrombosis and Hemostasis, KU Leuven, Center for Molecular and Vascular Biology
Classification: Uncertain significance for von Willebrand disease type 2. Review status: criteria provided, single submitter. Criteria: ACMG Guidelines, 2015. Collection method: clinical testing. Allele origin: germline. Affected: yes. Observed: 1 heterozygote.
Comment: Submitted to the GoldVariant database by Kathleen Freson, Center for Molecular and Vascular Biology

Literature cited by the submitters: PubMed 22871923 (cited by Women's Health and Genetics/Laboratory Corporation of America, LabCorp).

NM_000552.5(VWF):c.7729+5G>A

Gene: VWF (von Willebrand factor; minus strand). Cytogenetic location: 12p13.31.
Variant type: single nucleotide variant.
Coding change: c.7729+5G>A on transcript NM_000552.5 (MANE Select); 5 bases into the intron after coding-DNA position 7729, G replaced by A.
Molecular consequence: intron variant.
Genome position (GRCh38, 1-based): chr12:5,969,206, C>T on the plus strand (G>A on the coding strand, the complement: VWF is on the minus strand). VCF-style: chr12-5969206-C-T. GRCh37 (hg19) VCF-style: chr12-6078372-C-T.
Identifiers: ClinVar variation 2572112 (VCV002572112.3), dbSNP rs918057829, ClinGen allele CA232281729.